The following is an entry in ClinVar:

NM_001042492.3(NF1):c.3216C>A (p.Ser1072Arg)

Gene: NF1 (neurofibromin 1; plus strand). Cytogenetic location: 17q11.2.
Variant type: single nucleotide variant.
Coding change: c.3216C>A on transcript NM_001042492.3 (MANE Select); coding-DNA position 3216, C replaced by A.
Protein change: p.Ser1072Arg; replaces serine 1072 with arginine.
Molecular consequence: missense variant.
Genome position (GRCh38, 1-based): chr17:31,232,091, C>A. VCF-style: chr17-31232091-C-A. GRCh37 (hg19) VCF-style: chr17-29559109-C-A.
Other names: c.3216C>A, p.Ser1072Arg (NM_000267.4); short protein forms S1072R.
Identifiers: ClinVar variation 823226 (VCV000823226.4), dbSNP rs1567850647, ClinGen allele CA398988634.
Genomic context (GRCh38, chr17:31,232,091, plus strand): 5'-CATGGTCTCTAAATTTTTTTTTTTTTTTTTTTTTTTTTTCAGAGATTTGGACCAGGCAAG[C>A]ATGGAAGCAGTAGTTTCACTTCTAGCTGGTCTCCCTCTGCAGCCTGAAGAAGGAGATGGT-3'
Protein context (NP_001035957.1, residues 1062-1082): KCLTRDLDQA[Ser1072Arg]MEAVVSLLAG

ClinVar aggregate classification (germline): Uncertain significance (1 of 4 stars; one submission).

Conditions:
Cardiovascular phenotype. Identifiers: MedGen CN230736.
Hereditary cancer-predisposing syndrome. Also called: Tumor predisposition; Hereditary Cancer Syndrome; Neoplastic Syndromes, Hereditary; Hereditary neoplastic syndrome. Identifiers: Orphanet 140162, MedGen C0027672, MeSH D009386, MONDO:0015356.

Submission:

Ambry Genetics
Classification: Uncertain significance for Cardiovascular phenotype; Hereditary cancer-predisposing syndrome. Last evaluated: 2019-10-02. Review status: criteria provided, single submitter. Criteria: Ambry Variant Classification Scheme 2023. Collection method: clinical testing. Allele origin: germline.
Comment: The p.S1072R variant (also known as c.3216C>A), located in coding exon 25 of the NF1 gene, results from a C to A substitution at nucleotide position 3216. The serine at codon 1072 is replaced by arginine, an amino acid with dissimilar properties. This amino acid position is well conserved in available vertebrate species. In addition, the in silico prediction for this alteration is inconclusive. Since supporting evidence is limited at this time, the clinical significance of this alteration remains unclear.